The following is an entry in ClinVar:

ClinVar aggregate classification (germline): Uncertain significance. Review status: criteria provided, multiple submitters, no conflicts (2 of 4 stars). 2 submissions from 2 submitters: Uncertain significance (2). Last evaluated 2025-08-21.

Conditions:
Hereditary cancer-predisposing syndrome. Also called: Hereditary neoplastic syndrome; Neoplastic Syndromes, Hereditary; Hereditary Cancer Syndrome; Tumor predisposition. Identifiers: Orphanet 140162, MedGen C0027672, MeSH D009386, MONDO:0015356.
Carney complex, type 1 (CNC1). Also called: CARNEY COMPLEX, TYPE I; CARNEY MYXOMA-ENDOCRINE COMPLEX. Identifiers: Orphanet 1359, MedGen C2607929, MONDO:0008057, OMIM 160980.

Allele frequency attached by ClinVar (database versions not stated): TOPMed below 0.00001; ExAC 0.00001; gnomAD 0.00001.
gnomAD v4.1: 1 of 1,612,402 alleles (0.000062%); highest among the groups gnomAD compares: Non-Finnish European, 0.000085%; no homozygotes.

Submissions (2):

Ambry Genetics
Classification: Uncertain significance for Hereditary cancer-predisposing syndrome. Last evaluated: 2025-08-21. Review status: criteria provided, single submitter. Criteria: Ambry Variant Classification Scheme 2023. Collection method: clinical testing. Allele origin: germline.
Comment: The p.M245V variant (also known as c.733A>G), located in coding exon 7 of the PRKAR1A gene, results from an A to G substitution at nucleotide position 733. The methionine at codon 245 is replaced by valine, an amino acid with highly similar properties. This amino acid position is highly conserved in available vertebrate species. In addition, this alteration is predicted to be deleterious by in silico analysis. Based on the available evidence, the clinical significance of this variant remains unclear.

Labcorp Genetics (formerly Invitae), Labcorp
Classification: Uncertain significance for Carney complex, type 1. Last evaluated: 2023-05-20. Review status: criteria provided, single submitter. Criteria: Invitae Variant Classification Sherloc (09022015). Collection method: clinical testing. Allele origin: germline.
Comment: In summary, the available evidence is currently insufficient to determine the role of this variant in disease. Therefore, it has been classified as a Variant of Uncertain Significance. Advanced modeling of protein sequence and biophysical properties (such as structural, functional, and spatial information, amino acid conservation, physicochemical variation, residue mobility, and thermodynamic stability) performed at Invitae indicates that this missense variant is not expected to disrupt PRKAR1A protein function. ClinVar contains an entry for this variant (Variation ID: 659837). This variant has not been reported in the literature in individuals affected with PRKAR1A-related conditions. This variant is present in population databases (rs773430995, gnomAD 0.0009%). This sequence change replaces methionine, which is neutral and non-polar, with valine, which is neutral and non-polar, at codon 245 of the PRKAR1A protein (p.Met245Val).

NM_002734.5(PRKAR1A):c.733A>G (p.Met245Val)

Gene: PRKAR1A (protein kinase cAMP-dependent type I regulatory subunit alpha; plus strand). Cytogenetic location: 17q24.2.
Variant type: single nucleotide variant.
Coding change: c.733A>G on transcript NM_002734.5 (MANE Select); coding-DNA position 733, A replaced by G.
Protein change: p.Met245Val; replaces methionine 245 with valine.
Molecular consequence: missense variant.
Genome position (GRCh38, 1-based): chr17:68,527,864, A>G. VCF-style: chr17-68527864-A-G. GRCh37 (hg19) VCF-style: chr17-66524005-A-G.
Other names: c.733A>G, p.Met245Val (NM_001276289.2, NM_001276290.1, NM_001278433.2 and 4 more transcripts); c.733A>G (NM_002734.3); short protein forms M245V.
Identifiers: ClinVar variation 659837 (VCV000659837.11), dbSNP rs773430995, ClinGen allele CA8729355.